The following is an entry in ClinVar:

NM_000454.5(SOD1):c.13G>T (p.Ala5Ser)

Genes: SOD1 (superoxide dismutase 1; plus strand), SOD1-DT (SOD1 divergent transcript; minus strand). Cytogenetic location: 21q22.11.
Variant type: single nucleotide variant.
Coding change: c.13G>T on transcript NM_000454.5 (MANE Select); coding-DNA position 13, G replaced by T.
Protein change: p.Ala5Ser; replaces alanine 5 with serine.
Molecular consequence: missense variant.
Genome position (GRCh38, 1-based): chr21:31,659,782, G>T. VCF-style: chr21-31659782-G-T. GRCh37 (hg19) VCF-style: chr21-33032095-G-T.
Other names: short protein forms A5S.
Identifiers: ClinVar variation 873321 (VCV000873321.10), dbSNP rs121912444, ClinGen allele CA410035885.
Genomic context (GRCh38, chr21:31,659,782, plus strand): 5'-TTCCGTTGCAGTCCTCGGAACCAGGACCTCGGCGTGGCCTAGCGAGTTATGGCGACGAAG[G>T]CCGTGTGCGTGCTGAAGGGCGACGGCCCAGTGCAGGGCATCATCAATTTCGAGCAGAAGG-3'
Protein context (NP_000445.1, residues 1-15): MATK[Ala5Ser]VCVLKGDGPV

ClinVar aggregate classification (germline): Pathogenic. Review status: criteria provided, multiple submitters, no conflicts (2 of 4 stars). 3 submissions from 3 submitters: Pathogenic (3). Last evaluated 2025-03-03.

Conditions:
Amyotrophic lateral sclerosis type 1 (ALS1). Also called: AMYOTROPHIC LATERAL SCLEROSIS 1, FAMILIAL. Identifiers: Orphanet 803, MedGen C1862939, MONDO:0007103, OMIM 105400.
SOD1-related disorder. Also called: SOD1-related condition.

Submissions (3):

Labcorp Genetics (formerly Invitae), Labcorp
Classification: Pathogenic for Amyotrophic lateral sclerosis type 1. Last evaluated: 2025-03-03. Review status: criteria provided, single submitter. Criteria: Invitae Variant Classification Sherloc (09022015). Collection method: clinical testing. Allele origin: germline.
Comment: This sequence change replaces alanine, which is neutral and non-polar, with serine, which is neutral and polar, at codon 5 of the SOD1 protein (p.Ala5Ser). This variant is not present in population databases (gnomAD no frequency). This missense change has been observed in individuals with clinical features of SOD1-related conditions (PMID: 32579787; internal data). This variant is also known as Ala4Ser. ClinVar contains an entry for this variant (Variation ID: 873321). Invitae Evidence Modeling of protein sequence and biophysical properties (such as structural, functional, and spatial information, amino acid conservation, physicochemical variation, residue mobility, and thermodynamic stability) indicates that this missense variant is expected to disrupt SOD1 protein function with a positive predictive value of 95%. Experimental studies have shown that this missense change affects SOD1 function (PMID: 21257910, 23280792, 26362407). This variant disrupts the p.Ala5 amino acid residue in SOD1. Other variant(s) that disrupt this residue have been determined to be pathogenic (PMID: 7951249, 8179602, 8351519, 12792143, 17543992, 19176896, 19618436, 22292843). This suggests that this residue is clinically significant, and that variants that disrupt this residue are likely to be disease-causing. For these reasons, this variant has been classified as Pathogenic.

PreventionGenetics, part of Exact Sciences
Classification: Pathogenic for SOD1-related condition. Last evaluated: 2024-12-18. Review status: criteria provided, single submitter. Criteria: ACMG Guidelines, 2015. Collection method: clinical testing. Allele origin: germline.
Comment: The SOD1 c.13G>T variant is predicted to result in the amino acid substitution p.Ala5Ser. This variant, also described as p.A4S, has been reported in multiple, unrelated individuals with amyotrophic lateral sclerosis (ALS, Nakanishi et al. 1998. PubMed ID: 9696308; Brown et al. 2012. PubMed ID: 22292843). Other missense changes that impact the same residue such as c.13G>A (p.Ala5Thr) and c.14C>T (Ala5Val) have also been reported to be causative for ALS (Nakano et al. 1994. PubMed ID: 8179602; Deng et al. 1993. PubMed ID: 8351519). This variant has not been reported in a large population database, indicating this variant is rare. This variant is interpreted as pathogenic.

Suna and Inan Kirac Foundation Neurodegeneration Research Laboratory, Koc University
Classification: Pathogenic for Amyotrophic lateral sclerosis type 1. Last evaluated: 2020-03-31. Review status: criteria provided, single submitter. Criteria: ACMG Guidelines, 2015. Collection method: research. Allele origin: germline. Affected: yes. Observed: 3 variant alleles.

Literature cited by the submitters: PubMed 32579787 (cited by Labcorp Genetics (formerly Invitae), Labcorp); PubMed 21257910 (cited by Labcorp Genetics (formerly Invitae), Labcorp); PubMed 23280792 (cited by Labcorp Genetics (formerly Invitae), Labcorp); PubMed 26362407 (cited by Labcorp Genetics (formerly Invitae), Labcorp); PubMed 7951249 (cited by Labcorp Genetics (formerly Invitae), Labcorp); PubMed 8179602 (cited by Labcorp Genetics (formerly Invitae), Labcorp); PubMed 8351519 (cited by Labcorp Genetics (formerly Invitae), Labcorp); PubMed 12792143 (cited by Labcorp Genetics (formerly Invitae), Labcorp); PubMed 17543992 (cited by Labcorp Genetics (formerly Invitae), Labcorp); PubMed 19176896 (cited by Labcorp Genetics (formerly Invitae), Labcorp); PubMed 19618436 (cited by Labcorp Genetics (formerly Invitae), Labcorp); PubMed 22292843 (cited by Labcorp Genetics (formerly Invitae), Labcorp).